The following is an entry in ClinVar:

ClinVar aggregate classification (germline): Likely benign (0 of 4 stars; one submission).

Conditions:
NEDD4-related disorder. Also called: NEDD4-related condition.

Allele frequency attached by ClinVar (database versions not stated): TOPMed 0.00008; gnomAD exomes 0.00009; gnomAD 0.00011; ExAC 0.00023; 1000 Genomes Project 30x 0.00031; 1000 Genomes Project 0.00040.
gnomAD v4.1: 149 of 1,612,960 alleles (0.0092%); highest among the groups gnomAD compares: East Asian, 0.2%; 1 homozygote.

Submission:

PreventionGenetics, part of Exact Sciences
Classification: Likely benign for NEDD4-related condition. Last evaluated: 2023-05-15. Review status: no assertion criteria provided. Collection method: clinical testing. Allele origin: germline.
Comment: This variant is classified as likely benign based on ACMG/AMP sequence variant interpretation guidelines (Richards et al. 2015 PMID: 25741868, with internal and published modifications).

NM_006154.4(NEDD4):c.1037C>T (p.Thr346Ile)

Gene: NEDD4 (NEDD4 E3 ubiquitin protein ligase; minus strand). Cytogenetic location: 15q21.3.
Variant type: single nucleotide variant.
Coding change: c.1037C>T on transcript NM_006154.4 (MANE Select); coding-DNA position 1037, C replaced by T.
Protein change: p.Thr346Ile; replaces threonine 346 with isoleucine.
Molecular consequence: missense variant. On other transcripts: non-coding transcript variant (1).
Genome position (GRCh38, 1-based): chr15:55,852,533, G>A on the plus strand (C>T on the coding strand, the complement: NEDD4 is on the minus strand). VCF-style: chr15-55852533-G-A. GRCh37 (hg19) VCF-style: chr15-56144731-G-A.
Other names: c.2294C>T, p.Thr765Ile (NM_001284338.2); c.2246C>T, p.Thr749Ile (NM_001284339.1); c.2243C>T, p.Thr748Ile (NM_001284340.1); c.596C>T, p.Thr199Ile (NM_001329212.2); c.2078C>T, p.Thr693Ile (NM_198400.3); short protein forms T199I, T346I, T693I, T748I, T749I, T765I.
Identifiers: ClinVar variation 3046622 (VCV003046622.2), dbSNP rs553753641, ClinGen allele CA7577132.